The following is an entry in ClinVar:

ClinVar aggregate classification (germline): Likely pathogenic (1 of 4 stars; one submission).

Conditions:
Congenital myasthenic syndrome 4A. Also called: MYASTHENIC SYNDROME, CONGENITAL, 4A, SLOW-CHANNEL, AUTOSOMAL RECESSIVE; CONGENITAL MYASTHENIC SYNDROME TYPE Ia1; Myasthenic syndrome, congenital, 4a, slow-channel. Identifiers: Orphanet 590, MedGen C4225413, MONDO:0011600, OMIM 605809.

Submission:

Labcorp Genetics (formerly Invitae), Labcorp
Classification: Likely pathogenic for Congenital myasthenic syndrome 4A. Last evaluated: 2025-06-15. Review status: criteria provided, single submitter. Criteria: Invitae Variant Classification Sherloc (09022015). Collection method: clinical testing. Allele origin: germline.
Comment: This sequence change affects an acceptor splice site in intron 4 of the CHRNE gene. It is expected to disrupt RNA splicing. Variants that disrupt the donor or acceptor splice site typically lead to a loss of protein function (PMID: 16199547), and loss-of-function variants in CHRNE are known to be pathogenic (PMID: 22678886). This variant is not present in population databases (gnomAD no frequency). Disruption of this splice site has been observed in individual(s) with autosomal recessive congenital myasthenic syndrome (PMID: 14532324). ClinVar contains an entry for this variant (Variation ID: 1500380). Algorithms developed to predict the effect of sequence changes on RNA splicing suggest that this variant may disrupt the consensus splice site. In summary, the currently available evidence indicates that the variant is pathogenic, but additional data are needed to prove that conclusively. Therefore, this variant has been classified as Likely Pathogenic.

Literature cited by the submitters: PubMed 16199547; PubMed 22678886; PubMed 14532324.

NM_000080.4(CHRNE):c.345-2A>T

Genes: C17orf107 (chromosome 17 open reading frame 107; plus strand), CHRNE (cholinergic receptor nicotinic epsilon subunit; minus strand). Cytogenetic location: 17p13.2.
Variant type: single nucleotide variant.
Coding change: c.345-2A>T on transcript NM_000080.4 (MANE Select); the canonical splice acceptor site of the intron before coding-DNA position 345, A replaced by T.
Molecular consequence: splice acceptor variant. On other transcripts: 3 prime UTR variant (1).
Genome position (GRCh38, 1-based): chr17:4,902,089, T>A on the plus strand (A>T on the coding strand, the complement: CHRNE is on the minus strand). VCF-style: chr17-4902089-T-A. GRCh37 (hg19) VCF-style: chr17-4805384-T-A.
Other names: c.*1556T>A (NM_001145536.2).
Identifiers: ClinVar variation 1500380 (VCV001500380.6), dbSNP rs2151098412, ClinGen allele CA397306409.
Genomic context (GRCh38, chr17:4,902,089, plus strand): 5'-AGCCGCCCTCGTAGACGAGCACGTTGGCGTCGTAGGCCACTCCGAACTGGCCATCAATAC[T>A]GTGGGCTCGGGGAAACCGAGCTTTTTGCACAGGTCTGCACCCTCTCAGAGTACCCCCTTC-3'